The following is an entry in ClinVar:

NM_001371596.2(MFSD8):c.496A>G (p.Thr166Ala)

Gene: MFSD8 (major facilitator superfamily domain containing 8; minus strand). Cytogenetic location: 4q28.2.
Variant type: single nucleotide variant.
Coding change: c.496A>G on transcript NM_001371596.2 (MANE Select); coding-DNA position 496, A replaced by G.
Protein change: p.Thr166Ala; replaces threonine 166 with alanine.
Molecular consequence: missense variant. On other transcripts: intron variant (4).
Genome position (GRCh38, 1-based): chr4:127,942,102, T>C on the plus strand (A>G on the coding strand, the complement: MFSD8 is on the minus strand). VCF-style: chr4-127942102-T-C. GRCh37 (hg19) VCF-style: chr4-128863257-T-C.
Other names: c.496A>G, p.Thr166Ala (NM_001363520.3, NM_001371591.2, NM_001371592.2 and 2 more transcripts); c.361A>G, p.Thr121Ala (NM_001371590.2, NM_001371595.1); c.304+1650A>G (NM_001410765.1); c.439+1650A>G (NM_001363521.3, NM_001410766.1, NM_001371593.2); short protein forms T166A, T121A.
Identifiers: ClinVar variation 2161635 (VCV002161635.1), dbSNP rs1187562999, ClinGen allele CA358176272.

ClinVar aggregate classification (germline): Uncertain significance (1 of 4 stars; one submission).

Conditions:
Neuronal ceroid lipofuscinosis 7 (CLN7). Also called: MFSD8-Related Neuronal Ceroid-Lipofuscinosis. Identifiers: Orphanet 168491, Orphanet 228366, MedGen C1838571, MONDO:0012588, OMIM 610951.

Allele frequency attached by ClinVar (database versions not stated): gnomAD exomes below 0.00001; gnomAD 0.00002; TOPMed 0.00002.
gnomAD v4.1: 4 of 1,614,010 alleles (0.00025%); highest among the groups gnomAD compares: African/African-American, 0.0053%; no homozygotes.

Submission:

Labcorp Genetics (formerly Invitae), Labcorp
Classification: Uncertain significance for Neuronal ceroid lipofuscinosis 7. Last evaluated: 2022-06-25. Review status: criteria provided, single submitter. Criteria: Invitae Variant Classification Sherloc (09022015). Collection method: clinical testing. Allele origin: germline.
Comment: This sequence change replaces threonine, which is neutral and polar, with alanine, which is neutral and non-polar, at codon 166 of the MFSD8 protein (p.Thr166Ala). This variant is present in population databases (no rsID available, gnomAD 0.007%). This variant has not been reported in the literature in individuals affected with MFSD8-related conditions. Algorithms developed to predict the effect of missense changes on protein structure and function are either unavailable or do not agree on the potential impact of this missense change (SIFT: "Deleterious"; PolyPhen-2: "Possibly Damaging"; Align-GVGD: "Class C0"). In summary, the available evidence is currently insufficient to determine the role of this variant in disease. Therefore, it has been classified as a Variant of Uncertain Significance.